The following is an entry in ClinVar:

ClinVar aggregate classification (germline): Uncertain significance. Review status: criteria provided, multiple submitters, no conflicts (2 of 4 stars). 2 submissions from 2 submitters: Uncertain significance (2). Last evaluated 2024-12-04.

Submissions (2):

Labcorp Genetics (formerly Invitae), Labcorp
Classification: Uncertain significance. Last evaluated: 2024-12-04. Review status: criteria provided, single submitter. Criteria: Invitae Variant Classification Sherloc (09022015). Collection method: clinical testing. Allele origin: germline.
Comment: This sequence change replaces leucine, which is neutral and non-polar, with arginine, which is basic and polar, at codon 41 of the NOG protein (p.Leu41Arg). This variant is not present in population databases (gnomAD no frequency). This variant has not been reported in the literature in individuals affected with NOG-related conditions. ClinVar contains an entry for this variant (Variation ID: 1200838). An algorithm developed to predict the effect of missense changes on protein structure and function (PolyPhen-2) suggests that this variant is likely to be disruptive. In summary, the available evidence is currently insufficient to determine the role of this variant in disease. Therefore, it has been classified as a Variant of Uncertain Significance.

GeneDx
Classification: Uncertain significance. Last evaluated: 2020-09-24. Review status: criteria provided, single submitter. Criteria: GeneDx Variant Classification Process June 2021. Collection method: clinical testing. Allele origin: germline. Affected: yes.
Comment: Not observed in large population cohorts (Lek et al., 2016); In silico analysis supports that this missense variant has a deleterious effect on protein structure/function; Has not been previously published as pathogenic or benign to our knowledge

NM_005450.6(NOG):c.122T>G (p.Leu41Arg)

Gene: NOG (noggin; plus strand). Cytogenetic location: 17q22.
Variant type: single nucleotide variant.
Coding change: c.122T>G on transcript NM_005450.6 (MANE Select); coding-DNA position 122, T replaced by G.
Protein change: p.Leu41Arg; replaces leucine 41 with arginine.
Molecular consequence: missense variant.
Genome position (GRCh38, 1-based): chr17:56,594,345, T>G. VCF-style: chr17-56594345-T-G. GRCh37 (hg19) VCF-style: chr17-54671706-T-G.
Other names: short protein forms L41R.
Identifiers: ClinVar variation 1200838 (VCV001200838.5), dbSNP rs2145567087, ClinGen allele CA399964277.